The following is an entry in ClinVar:

NM_020632.3(ATP6V0A4):c.639G>T (p.Thr213=)

Gene: ATP6V0A4 (ATPase H+ transporting V0 subunit a4; minus strand). Cytogenetic location: 7q34.
Variant type: single nucleotide variant.
Coding change: c.639G>T on transcript NM_020632.3 (MANE Select); coding-DNA position 639, G replaced by T.
Protein change: p.Thr213=; no amino-acid change (threonine 213 retained).
Molecular consequence: synonymous variant.
Genome position (GRCh38, 1-based): chr7:138,759,752, C>A on the plus strand (G>T on the coding strand, the complement: ATP6V0A4 is on the minus strand). VCF-style: chr7-138759752-C-A. GRCh37 (hg19) VCF-style: chr7-138444497-C-A.
Other names: c.639G>T, p.Thr213= (NM_130840.3, NM_130841.3).
Identifiers: ClinVar variation 4535783 (VCV004535783.1).
Genomic context (GRCh38, chr7:138,759,752, plus strand): 5'-CGCTTCTGCTGAGGGCTATGGGAAGTCTCAGAGAAAGTTTTTGCAGCCCAAGGTTCCCAC[C>A]GTCACAGGATCCTCCAGAGGGGCGTCCATCTCACTGAACTTCAAGTACACGTTTCCTCGG-3'
Protein context (NP_065683.2, residues 203-223): EMDAPLEDPV[Thr213=]KEEIQKNIFI

ClinVar aggregate classification (germline): Uncertain significance (1 of 4 stars; one submission).

gnomAD v4.1: 1 of 1,614,096 alleles (0.000062%); highest among the groups gnomAD compares: Non-Finnish European, 0.000085%; no homozygotes.

Submission:

Women's Health and Genetics/Laboratory Corporation of America, LabCorp
Classification: Uncertain significance. Last evaluated: 2025-09-04. Review status: criteria provided, single submitter. Criteria: LabCorp Variant Classification Summary - May 2015. Collection method: clinical testing. Allele origin: germline.
Comment: Variant summary: ATP6V0A4 c.639G>T (p.Thr213Thr) alters a conserved nucleotide located close to a canonical splice site and therefore could affect mRNA splicing, leading to a significantly altered protein sequence. Computational tools predict a significant impact on normal splicing: Three predict the variant abolishes a 5' splicing donor site. However, these predictions have yet to be confirmed by functional studies. The variant allele was found at a frequency of 4e-06 in 251418 control chromosomes (gnomAD). The available data on variant occurrences in the general population are insufficient to allow any conclusion about variant significance. To our knowledge, no occurrence of c.639G>T in individuals affected with ATP6V0A4-related conditions and no experimental evidence demonstrating its impact on protein function have been reported. No submitters have cited clinical-significance assessments for this variant to ClinVar. Based on the evidence outlined above, the variant was classified as uncertain significance.